The following is an entry in ClinVar:

ClinVar aggregate classification (germline): Uncertain significance (1 of 4 stars; one submission).

Conditions:
Neuroblastoma, susceptibility to, 3. Also called: ALK-Related Neuroblastic Tumor Susceptibility. Identifiers: Orphanet 635, MedGen C2751681, MONDO:0013083, OMIM 613014.

Allele frequency attached by ClinVar (database versions not stated): gnomAD exomes below 0.00001; ExAC 0.00001.
gnomAD v4.1: 1 of 1,612,626 alleles (0.000062%); highest among the groups gnomAD compares: Non-Finnish European, 0.000085%; no homozygotes.

Submission:

Labcorp Genetics (formerly Invitae), Labcorp
Classification: Uncertain significance for Neuroblastoma, susceptibility to, 3. Last evaluated: 2022-01-28. Review status: criteria provided, single submitter. Criteria: Invitae Variant Classification Sherloc (09022015). Collection method: clinical testing. Allele origin: germline.
Comment: This sequence change replaces isoleucine, which is neutral and non-polar, with phenylalanine, which is neutral and non-polar, at codon 1055 of the ALK protein (p.Ile1055Phe). In summary, the available evidence is currently insufficient to determine the role of this variant in disease. Therefore, it has been classified as a Variant of Uncertain Significance. Algorithms developed to predict the effect of missense changes on protein structure and function are either unavailable or do not agree on the potential impact of this missense change (SIFT: "Deleterious"; PolyPhen-2: "Possibly Damaging"; Align-GVGD: "Class C15"). ClinVar contains an entry for this variant (Variation ID: 1047037). This variant has not been reported in the literature in individuals affected with ALK-related conditions. This variant is present in population databases (rs755804208, gnomAD 0.0009%).

NM_004304.5(ALK):c.3163A>T (p.Ile1055Phe)

Gene: ALK (ALK receptor tyrosine kinase; minus strand). Cytogenetic location: 2p23.2.
Variant type: single nucleotide variant.
Coding change: c.3163A>T on transcript NM_004304.5 (MANE Select); coding-DNA position 3163, A replaced by T.
Protein change: p.Ile1055Phe; replaces isoleucine 1055 with phenylalanine.
Molecular consequence: missense variant.
Genome position (GRCh38, 1-based): chr2:29,225,470, T>A on the plus strand (A>T on the coding strand, the complement: ALK is on the minus strand). VCF-style: chr2-29225470-T-A. GRCh37 (hg19) VCF-style: chr2-29448336-T-A.
Other names: short protein forms I1055F.
Identifiers: ClinVar variation 1047037 (VCV001047037.8), dbSNP rs755804208, ClinGen allele CA1594060.
Genomic context (GRCh38, chr2:29,225,470, plus strand): 5'-CAGTCCTGCCTTCCTGCCCCCTTGGGAGTCCCTGGGGCTCTGTGCACTCACCAATCATGA[T>A]GCCGGAGAAAGCCAGGACCAGGGCGGCCACGAGGGCAGAGGTCACCACAGAGAGGATCAG-3'
Protein context (NP_004295.2, residues 1045-1065): VAALVLAFSG[Ile1055Phe]MIVYRRKHQE